The following is an entry in ClinVar:

ClinVar aggregate classification (germline): Uncertain significance (1 of 4 stars; one submission).

gnomAD v4.1: 9 of 1,560,994 alleles (0.00058%); highest among the groups gnomAD compares: South Asian, 0.0024%; no homozygotes.

Submission:

Labcorp Genetics (formerly Invitae), Labcorp
Classification: Uncertain significance. Last evaluated: 2025-08-30. Review status: criteria provided, single submitter. Criteria: Invitae Variant Classification Sherloc (09022015). Collection method: clinical testing. Allele origin: germline.
Comment: This sequence change replaces arginine, which is basic and polar, with tryptophan, which is neutral and slightly polar, at codon 184 of the SLC13A3 protein (p.Arg184Trp). The frequency data for this variant in the population databases is considered unreliable, as metrics indicate poor data quality at this position in the gnomAD database. This variant has not been reported in the literature in individuals affected with SLC13A3-related conditions. An algorithm developed to predict the effect of missense changes on protein structure and function outputs the following: PolyPhen-2: "Benign". The tryptophan amino acid residue is found in multiple mammalian species, which suggests that this missense change does not adversely affect protein function. In summary, the available evidence is currently insufficient to determine the role of this variant in disease. Therefore, it has been classified as a Variant of Uncertain Significance.

NM_022829.6(SLC13A3):c.550C>T (p.Arg184Trp)

Gene: SLC13A3 (solute carrier family 13 member 3; minus strand). Cytogenetic location: 20q13.12.
Variant type: single nucleotide variant.
Coding change: c.550C>T on transcript NM_022829.6 (MANE Select); coding-DNA position 550, C replaced by T.
Protein change: p.Arg184Trp; replaces arginine 184 with tryptophan.
Molecular consequence: missense variant. On other transcripts: intron variant (1).
Genome position (GRCh38, 1-based): chr20:46,600,029, G>A on the plus strand (C>T on the coding strand, the complement: SLC13A3 is on the minus strand). VCF-style: chr20-46600029-G-A. GRCh37 (hg19) VCF-style: chr20-45228668-G-A.
Other names: c.409C>T, p.Arg137Trp (NM_001011554.3, NM_001193340.2); c.256C>T, p.Arg86Trp (NM_001193342.2); c.542-3687C>T (NM_001193339.2); short protein forms R137W, R86W, R184W.
Identifiers: ClinVar variation 4708499 (VCV004708499.1).